The following is an entry in ClinVar:

NM_033641.4(COL4A6):c.2889C>A (p.Asn963Lys)

Gene: COL4A6 (collagen type IV alpha 6 chain; minus strand). Cytogenetic location: Xq22.3.
Variant type: single nucleotide variant.
Coding change: c.2889C>A on transcript NM_033641.4 (MANE Select); coding-DNA position 2889, C replaced by A.
Protein change: p.Asn963Lys; replaces asparagine 963 with lysine.
Molecular consequence: missense variant.
Genome position (GRCh38, 1-based): chrX:108,175,157, G>T on the plus strand (C>A on the coding strand, the complement: COL4A6 is on the minus strand). VCF-style: chrX-108175157-G-T. GRCh37 (hg19) VCF-style: chrX-107418387-G-T.
Other names: c.2940C>A, p.Asn980Lys (NM_001287758.2); c.2889C>A, p.Asn963Lys (NM_001287759.2, NM_001287760.2, NM_001440760.1); c.2892C>A, p.Asn964Lys (NM_001440759.1, NM_001847.4); short protein forms N963K, N964K, N980K.
Identifiers: ClinVar variation 4989309 (VCV004989309.1).

ClinVar aggregate classification (germline): Uncertain significance (1 of 4 stars; one submission).

Conditions:
COL4A6-related disorder. Also called: COL4A6-related condition.

gnomAD v4.1: 1 of 1,203,270 alleles (0.000083%); highest among the groups gnomAD compares: Non-Finnish European, 0.00011%; no homozygotes.

Submission:

PreventionGenetics, part of Exact Sciences
Classification: Uncertain significance for COL4A6-related condition. Last evaluated: 2026-04-28. Review status: criteria provided, single submitter. Criteria: ACMG Guidelines, 2015. Collection method: clinical testing. Allele origin: germline.
Comment: The COL4A6 c.2892C>A variant is predicted to result in the amino acid substitution p.Asn964Lys. To our knowledge, this variant has not been reported in the literature or in a large population database (gnomAD), indicating this variant is rare. At this time, the clinical significance of this variant is uncertain due to the absence of conclusive functional and genetic evidence.